The following is an entry in ClinVar:

NM_000836.4(GRIN2D):c.298G>C (p.Val100Leu)

Gene: GRIN2D (glutamate ionotropic receptor NMDA type subunit 2D; plus strand). Cytogenetic location: 19q13.33.
Variant type: single nucleotide variant.
Coding change: c.298G>C on transcript NM_000836.4 (MANE Select); coding-DNA position 298, G replaced by C.
Protein change: p.Val100Leu; replaces valine 100 with leucine.
Molecular consequence: missense variant.
Genome position (GRCh38, 1-based): chr19:48,398,690, G>C. VCF-style: chr19-48398690-G-C. GRCh37 (hg19) VCF-style: chr19-48901947-G-C.
Other names: short protein forms V100L.
Identifiers: ClinVar variation 1482249 (VCV001482249.9), dbSNP rs1240528482, ClinGen allele CA406688873.

ClinVar aggregate classification (germline): Uncertain significance. Review status: criteria provided, multiple submitters, no conflicts (2 of 4 stars). 2 submissions from 2 submitters: Uncertain significance (2). Last evaluated 2024-01-08.

Allele frequency attached by ClinVar (database versions not stated): TOPMed below 0.00001.
gnomAD v4.1: 2 of 1,462,416 alleles (0.00014%); highest among the groups gnomAD compares: Middle Eastern, 0.024%; no homozygotes.

Submissions (2):

Labcorp Genetics (formerly Invitae), Labcorp
Classification: Uncertain significance. Last evaluated: 2024-01-08. Review status: criteria provided, single submitter. Criteria: Invitae Variant Classification Sherloc (09022015). Collection method: clinical testing. Allele origin: germline.
Comment: This sequence change replaces valine, which is neutral and non-polar, with leucine, which is neutral and non-polar, at codon 100 of the GRIN2D protein (p.Val100Leu). This variant is not present in population databases (gnomAD no frequency). This variant has not been reported in the literature in individuals affected with GRIN2D-related conditions. ClinVar contains an entry for this variant (Variation ID: 1482249). Advanced modeling of protein sequence and biophysical properties (such as structural, functional, and spatial information, amino acid conservation, physicochemical variation, residue mobility, and thermodynamic stability) performed at Invitae indicates that this missense variant is not expected to disrupt GRIN2D protein function with a negative predictive value of 80%. In summary, the available evidence is currently insufficient to determine the role of this variant in disease. Therefore, it has been classified as a Variant of Uncertain Significance.

Breakthrough Genomics
Classification: Uncertain significance. Review status: criteria provided, single submitter. Criteria: ACMG Guidelines, 2015. Collection method: not provided. Allele origin: germline. Inheritance: Autosomal dominant inheritance. Affected: yes.